The following is an entry in ClinVar:

NM_017433.5(MYO3A):c.3589G>A (p.Glu1197Lys)

Gene: MYO3A (myosin IIIA; plus strand). Cytogenetic location: 10p12.1.
Variant type: single nucleotide variant.
Coding change: c.3589G>A on transcript NM_017433.5 (MANE Select); coding-DNA position 3589, G replaced by A.
Protein change: p.Glu1197Lys; replaces glutamic acid 1197 with lysine.
Molecular consequence: missense variant.
Genome position (GRCh38, 1-based): chr10:26,173,853, G>A. VCF-style: chr10-26173853-G-A. GRCh37 (hg19) VCF-style: chr10-26462782-G-A.
Other names: short protein forms E1197K.
Identifiers: ClinVar variation 164628 (VCV000164628.36), dbSNP rs75801377, ClinGen allele CA177348.

ClinVar aggregate classification (germline): Benign/Likely benign. Review status: criteria provided, multiple submitters, no conflicts (2 of 4 stars). 7 submissions from 7 submitters: Benign (4); Likely benign (3). Last evaluated 2025-12-14.

Conditions:
Autosomal recessive nonsyndromic hearing loss 30. Identifiers: Orphanet 90636, MedGen C1846784, MONDO:0011774, OMIM 607101.

Allele frequency attached by ClinVar (database versions not stated): gnomAD exomes 0.00038 and 0.00107; ExAC 0.00130; ESP Exome Variant Server 0.00400; gnomAD 0.00400 and 0.00414; TOPMed 0.00446; 1000 Genomes Project 0.00739; 1000 Genomes Project 30x 0.00750.
gnomAD v4.1: 1,215 of 1,614,012 alleles (0.075%); highest among the groups gnomAD compares: African/African-American, 1.4%; 12 homozygotes.

Submissions (7):

Labcorp Genetics (formerly Invitae), Labcorp
Classification: Benign. Last evaluated: 2025-12-14. Review status: criteria provided, single submitter. Criteria: Invitae Variant Classification Sherloc (09022015). Collection method: clinical testing. Allele origin: germline.

Blueprint Genetics
Classification: Likely benign. Last evaluated: 2024-08-28. Review status: criteria provided, single submitter. Criteria: ACMG Guidelines, 2015. Collection method: clinical testing. Allele origin: germline.

CeGaT Center for Human Genetics Tuebingen
Classification: Benign. Last evaluated: 2024-07-01. Review status: criteria provided, single submitter. Criteria: CeGaT Center For Human Genetics Tuebingen Variant Classification Criteria Version 2. Collection method: clinical testing. Allele origin: germline. Affected: yes. Observed: 1 variant allele.
Comment: MYO3A: BP4, BS1, BS2

GeneDx
Classification: Benign. Last evaluated: 2020-09-15. Review status: criteria provided, single submitter. Criteria: GeneDx Variant Classification Process June 2021. Collection method: clinical testing. Allele origin: germline. Affected: yes.

Illumina Laboratory Services, Illumina
Classification: Likely benign for Autosomal recessive nonsyndromic hearing loss 30. Last evaluated: 2017-04-27. Review status: criteria provided, single submitter. Criteria: ICSL Variant Classification Criteria 13 December 2019. Collection method: clinical testing. Allele origin: germline.
Comment: This variant was observed as part of a predisposition screen in an ostensibly healthy population. A literature search was performed for the gene, cDNA change, and amino acid change (where applicable). No publications were found based on this search. Allele frequency data from public databases allowed determination this variant is unlikely to cause disease. Therefore, this variant is classified as likely benign.

Laboratory for Molecular Medicine, Mass General Brigham Personalized Medicine
Classification: Benign. Last evaluated: 2012-04-30. Review status: criteria provided, single submitter. Criteria: LMM Criteria. Collection method: clinical testing. Allele origin: germline. Observed: 5 variant alleles.
Comment: Glu1197Lys in Exon 30 of MYO3A: This variant is not expected to have clinical si gnificance because it has been identified in 1.1% (41/3738) of African American chromosomes from a broad population by the NHLBI Exome Sequencing Project (dbSNP rs75801377).

Breakthrough Genomics
Classification: Likely benign. Review status: criteria provided, single submitter. Criteria: ACMG Guidelines, 2015. Collection method: not provided. Allele origin: germline. Inheritance: Autosomal recessive inheritance. Affected: yes.